The following is an entry in ClinVar:

NM_004304.5(ALK):c.866C>T (p.Ser289Phe)

Gene: ALK (ALK receptor tyrosine kinase; minus strand). Cytogenetic location: 2p23.2.
Variant type: single nucleotide variant.
Coding change: c.866C>T on transcript NM_004304.5 (MANE Select); coding-DNA position 866, C replaced by T.
Protein change: p.Ser289Phe; replaces serine 289 with phenylalanine.
Molecular consequence: missense variant.
Genome position (GRCh38, 1-based): chr2:29,694,936, G>A on the plus strand (C>T on the coding strand, the complement: ALK is on the minus strand). VCF-style: chr2-29694936-G-A. GRCh37 (hg19) VCF-style: chr2-29917802-G-A.
Other names: c.866C>T (NM_004304.4); short protein forms S289F.
Identifiers: ClinVar variation 2149092 (VCV002149092.5), dbSNP rs112782816, ClinGen allele CA44976847.

ClinVar aggregate classification (germline): Uncertain significance. Review status: criteria provided, multiple submitters, no conflicts (2 of 4 stars). 2 submissions from 2 submitters: Uncertain significance (2). Last evaluated 2025-01-24.

Conditions:
Neuroblastoma, susceptibility to, 3. Also called: ALK-Related Neuroblastic Tumor Susceptibility. Identifiers: Orphanet 635, MedGen C2751681, MONDO:0013083, OMIM 613014.
Hereditary cancer-predisposing syndrome. Also called: Neoplastic Syndromes, Hereditary; Hereditary neoplastic syndrome; Hereditary Cancer Syndrome; Tumor predisposition. Identifiers: Orphanet 140162, MedGen C0027672, MeSH D009386, MONDO:0015356.

Submissions (2):

Ambry Genetics
Classification: Uncertain significance for Hereditary cancer-predisposing syndrome. Last evaluated: 2025-01-24. Review status: criteria provided, single submitter. Criteria: Ambry Variant Classification Scheme 2023. Collection method: clinical testing. Allele origin: germline.

Labcorp Genetics (formerly Invitae), Labcorp
Classification: Uncertain significance for Neuroblastoma, susceptibility to, 3. Last evaluated: 2022-11-01. Review status: criteria provided, single submitter. Criteria: Invitae Variant Classification Sherloc (09022015). Collection method: clinical testing. Allele origin: germline.
Comment: In summary, the available evidence is currently insufficient to determine the role of this variant in disease. Therefore, it has been classified as a Variant of Uncertain Significance. Algorithms developed to predict the effect of missense changes on protein structure and function are either unavailable or do not agree on the potential impact of this missense change (SIFT: "Deleterious"; PolyPhen-2: "Possibly Damaging"; Align-GVGD: "Class C0"). This variant has not been reported in the literature in individuals affected with ALK-related conditions. This variant is not present in population databases (gnomAD no frequency). This sequence change replaces serine, which is neutral and polar, with phenylalanine, which is neutral and non-polar, at codon 289 of the ALK protein (p.Ser289Phe).